The following is an entry in ClinVar:

ClinVar aggregate classification (germline): Pathogenic (1 of 4 stars; one submission).

Conditions:
Hereditary nonpolyposis colon cancer (HNPCC). Also called: Hereditary nonpolyposis colorectal cancer; Familial nonpolyposis colon cancer; Hereditary Nonpolyposis Colorectal Cancer Syndrome. Identifiers: Orphanet 443909, MedGen C1333990, MONDO:0018630. Disease mechanism: loss of function.

Submission:

Women's Health and Genetics/Laboratory Corporation of America, LabCorp
Classification: Pathogenic for Hereditary nonpolyposis colon cancer. Last evaluated: 2026-06-03. Review status: criteria provided, single submitter. Criteria: LabCorp Variant Classification Summary - May 2015. Collection method: clinical testing. Allele origin: germline.
Comment: Variant summary: The variant involves the deletion of exons 6-9 in the PMS2 gene. A presumed nomenclature of c.(537+1_538-1)_(988+1_989-1)del has been designated for the purposes of this classification. This Copy Number Variant (CNV) is expected to alter the reading frame and predicted to result in a truncation or absence of the encoded protein due to nonsense mediated decay (NMD). Loss-of-function variants in this gene are known to be pathogenic. The variant was absent in 21694 control chromosomes. c.(537+1_538-1)_(988+1_989-1)del has been observed in individual(s) affected with PMS2-related conditions (e.g. Vaughn_2010). To our knowledge, no experimental evidence demonstrating an impact on protein function has been reported. The following publication has been ascertained in the context of this evaluation (PMID: 20205264). ClinVar contains an entry for this variant (Variation ID: 832147). Based on the evidence outlined above, the variant was classified as pathogenic for both autosomal recessive and autosomal dominant PMS2-related conditions.

Literature cited by the submitters: PubMed 20205264.

NC_000007.13:g.(6029587_6031603)_(6038907_6042083)del

Gene: PMS2 (PMS1 homolog 2, mismatch repair system component; minus strand). Cytogenetic location: 7p22.1.
Variant type: Deletion.
Identifiers: ClinVar variation 4887560 (VCV004887560.1).